The following is an entry in ClinVar:

ClinVar aggregate classification (germline): Uncertain significance. Review status: criteria provided, multiple submitters, no conflicts (2 of 4 stars). 4 submissions from 4 submitters: Uncertain significance (4). Last evaluated 2025-10-13.

Conditions:
Hereditary cancer-predisposing syndrome. Also called: Hereditary Cancer Syndrome; Tumor predisposition; Hereditary neoplastic syndrome; Neoplastic Syndromes, Hereditary. Identifiers: Orphanet 140162, MedGen C0027672, MeSH D009386, MONDO:0015356.
Endometrial carcinoma. Also called: Endometrial carcinoma, somatic. Identifiers: MedGen C0476089, MONDO:0002447, OMIM 608089, HP:0012114.

Allele frequency attached by ClinVar (database versions not stated): ExAC 0.00001; gnomAD 0.00001; TOPMed 0.00002.
gnomAD v4.1: 2 of 1,614,132 alleles (0.00012%); highest among the groups gnomAD compares: Non-Finnish European, 0.00017%; no homozygotes.

Submissions (4):

Labcorp Genetics (formerly Invitae), Labcorp
Classification: Uncertain significance. Last evaluated: 2025-10-13. Review status: criteria provided, single submitter. Criteria: Invitae Variant Classification Sherloc (09022015). Collection method: clinical testing. Allele origin: germline.
Comment: This sequence change replaces glutamic acid, which is acidic and polar, with glycine, which is neutral and non-polar, at codon 413 of the MSH3 protein (p.Glu413Gly). This variant is present in population databases (rs752223122, gnomAD 0.002%). This variant has not been reported in the literature in individuals affected with MSH3-related conditions. ClinVar contains an entry for this variant (Variation ID: 1044973). An algorithm developed to predict the effect of missense changes on protein structure and function (PolyPhen-2) suggests that this variant is likely to be disruptive. In summary, the available evidence is currently insufficient to determine the role of this variant in disease. Therefore, it has been classified as a Variant of Uncertain Significance.

Ambry Genetics
Classification: Uncertain significance for Hereditary cancer-predisposing syndrome. Last evaluated: 2025-06-22. Review status: criteria provided, single submitter. Criteria: Ambry Variant Classification Scheme 2023. Collection method: clinical testing. Allele origin: germline.
Comment: The p.E413G variant (also known as c.1238A>G), located in coding exon 8 of the MSH3 gene, results from an A to G substitution at nucleotide position 1238. The glutamic acid at codon 413 is replaced by glycine, an amino acid with similar properties. This amino acid position is highly conserved in available vertebrate species. In addition, this alteration is predicted to be deleterious by in silico analysis. Since supporting evidence is limited at this time, the clinical significance of this alteration remains unclear.

Baylor Genetics
Classification: Uncertain significance for Endometrial carcinoma. Last evaluated: 2023-08-09. Review status: criteria provided, single submitter. Criteria: ACMG Guidelines, 2015. Collection method: clinical testing. Allele origin: unknown.

Blueprint Genetics
Classification: Uncertain significance. Last evaluated: 2023-08-09. Review status: criteria provided, single submitter. Criteria: ACMG Guidelines, 2015. Collection method: clinical testing. Allele origin: germline.

NM_002439.5(MSH3):c.1238A>G (p.Glu413Gly)

Gene: MSH3 (mutS homolog 3; plus strand). Cytogenetic location: 5q14.1.
Variant type: single nucleotide variant.
Coding change: c.1238A>G on transcript NM_002439.5 (MANE Select); coding-DNA position 1238, A replaced by G.
Protein change: p.Glu413Gly; replaces glutamic acid 413 with glycine.
Molecular consequence: missense variant.
Genome position (GRCh38, 1-based): chr5:80,678,991, A>G. VCF-style: chr5-80678991-A-G. GRCh37 (hg19) VCF-style: chr5-79974810-A-G.
Other names: short protein forms E413G.
Identifiers: ClinVar variation 1044973 (VCV001044973.11), dbSNP rs752223122, ClinGen allele CA3327838.